The following is an entry in ClinVar:

ClinVar aggregate classification (germline): Uncertain significance (1 of 4 stars; one submission).

Conditions:
Kleefstra syndrome 1 (KLEFS1). Identifiers: Orphanet 261494, MedGen C0795833, MONDO:0027407, OMIM 610253.

Allele frequency attached by ClinVar (database versions not stated): gnomAD exomes below 0.00001; ExAC 0.00001.
gnomAD v4.1: 2 of 1,613,918 alleles (0.00012%); highest among the groups gnomAD compares: Non-Finnish European, 0.00017%; no homozygotes.

Submission:

Labcorp Genetics (formerly Invitae), Labcorp
Classification: Uncertain significance for Kleefstra syndrome 1. Last evaluated: 2024-02-09. Review status: criteria provided, single submitter. Criteria: Invitae Variant Classification Sherloc (09022015). Collection method: clinical testing. Allele origin: germline.
Comment: This sequence change replaces tyrosine, which is neutral and polar, with histidine, which is basic and polar, at codon 461 of the EHMT1 protein (p.Tyr461His). This variant is present in population databases (rs781361552, gnomAD 0.0009%). This variant has not been reported in the literature in individuals affected with EHMT1-related conditions. ClinVar contains an entry for this variant (Variation ID: 1436729). An algorithm developed to predict the effect of missense changes on protein structure and function (PolyPhen-2) suggests that this variant is likely to be tolerated. In summary, the available evidence is currently insufficient to determine the role of this variant in disease. Therefore, it has been classified as a Variant of Uncertain Significance.

NM_024757.5(EHMT1):c.1381T>C (p.Tyr461His)

Gene: EHMT1 (euchromatic histone lysine methyltransferase 1; plus strand). Cytogenetic location: 9q34.3.
Variant type: single nucleotide variant.
Coding change: c.1381T>C on transcript NM_024757.5 (MANE Select); coding-DNA position 1381, T replaced by C.
Protein change: p.Tyr461His; replaces tyrosine 461 with histidine.
Molecular consequence: missense variant.
Genome position (GRCh38, 1-based): chr9:137,757,891, T>C. VCF-style: chr9-137757891-T-C. GRCh37 (hg19) VCF-style: chr9-140652343-T-C.
Other names: c.1381T>C, p.Tyr461His (NM_001145527.2, NM_001354611.2); c.1288T>C, p.Tyr430His (NM_001354259.2, NM_001354612.2); c.1360T>C, p.Tyr454His (NM_001354263.2); short protein forms Y430H, Y454H, Y461H.
Identifiers: ClinVar variation 1436729 (VCV001436729.6), dbSNP rs781361552, ClinGen allele CA5374610.